The following continues an entry in ClinVar:

NM_000070.3(CAPN3):c.2243G>A (p.Arg748Gln)

Gene: CAPN3. ClinVar aggregate classification (germline): Pathogenic. Pathogenic (1).

Submissions 10 to 20 of 20:

Baylor Genetics
Classification: Pathogenic for Muscular dystrophy, limb-girdle, autosomal dominant 4. Last evaluated: 2024-03-13. Review status: criteria provided, single submitter. Criteria: ACMG Guidelines, 2015. Collection method: clinical testing. Allele origin: unknown. Not counted in ClinVar's aggregate classification.

Fulgent Genetics
Classification: Pathogenic for Autosomal recessive limb-girdle muscular dystrophy type 2A; Muscular dystrophy, limb-girdle, autosomal dominant 4. Last evaluated: 2024-03-04. Review status: criteria provided, single submitter. Criteria: ACMG Guidelines, 2015. Collection method: clinical testing. Allele origin: germline. Not counted in ClinVar's aggregate classification.

Athena Diagnostics
Classification: Pathogenic. Last evaluated: 2024-02-07. Review status: criteria provided, single submitter. Criteria: Athena Diagnostics Criteria. Collection method: clinical testing. Allele origin: unknown. Not counted in ClinVar's aggregate classification.
Comment: This variant has been identified in multiple individuals with autosomal recessive Limb-girdle muscular dystrophy and segregates with disease in multiple families. The frequency of this variant in the general population is consistent with pathogenicity (Genome Aggregation Database (gnomAD), Cambridge, MA (URL)). This variant segregates with disease in multiple families. Assessment of experimental evidence suggests this variant results in abnormal protein function. (PMID: 19226146, 22006685)

Neuberg Centre For Genomic Medicine, NCGM
Classification: Pathogenic for Autosomal recessive limb-girdle muscular dystrophy type 2A. Last evaluated: 2023-07-22. Review status: criteria provided, single submitter. Criteria: ACMG Guidelines, 2015. Collection method: clinical testing. Allele origin: germline. Inheritance: Autosomal recessive inheritance. Affected: yes. Not counted in ClinVar's aggregate classification.
Comment: The observed missense c.2243G>A p.Arg748Gln variant in CAPN3 gene has been previously reported in homozygous/ compound heterozygous states in multiple individuals affected with autosomal recessive limb-girdle muscular dystrophy Arrigoni et al., 2018; Fadaee et al., 2016; Hauerslev et al., 2012; Sáenz et al., 2011; Fanin et al., 2009. It has also been observed to segregate with disease in related individuals Fadaee et al., 2013; Richard et al., 1997. Experimental studies have shown that this missense change affects CAPN3 function Garnham et al., 2009. This variant is present with allele frequency of 0.002% in gnomAD Exomes. This variant has been submitted to the ClinVar database as Likely Pathogenic/ Pathogenic multiple submissions. Multiple lines of computational evidence Polyphen - Probably Damaging, SIFT - Damaging and MutationTaster - Disease causing predict a damaging effect on protein structure and function for this variant. The reference amino acid of p.Arg748Gln in CAPN3 is predicted as conserved by GERP++ and PhyloP across 100 vertebrates. The amino acid Arg at position 748 is changed to a Gln changing protein sequence and it might alter its composition and physico-chemical properties. For these reasons, this variant has been classified as Pathogenic.

Kariminejad - Najmabadi Pathology & Genetics Center
Classification: Pathogenic for Abnormality of the musculature. Last evaluated: 2021-07-10. Review status: criteria provided, single submitter. Criteria: ACMG Guidelines, 2015. Collection method: clinical testing. Allele origin: germline. Affected: yes. Not counted in ClinVar's aggregate classification.

Broad Center for Mendelian Genomics, Broad Institute of MIT and Harvard
Classification: Pathogenic for Autosomal recessive limb-girdle muscular dystrophy type 2A. Last evaluated: 2018-12-03. Review status: criteria provided, single submitter. Criteria: ACMG Guidelines, 2015. Collection method: research. Allele origin: germline. Inheritance: Autosomal recessive inheritance. Affected: yes. Not counted in ClinVar's aggregate classification.
Comment: Although this variant has been seen in the general population, its frequency is low enough to be consistent with a recessive carrier frequency. One study that examined a rat model with an analagous protein suggested that this variant affects protein catalytic activity (PMID: 19226146). Computational prediction tools and conservation analyses suggest that this variant may impact the protein, though this information is not predictive enought to determine pathogenicity. The p.Arg748Gln variant in CAPN3 has been reported in many individuals with LGMD in the homozygous and compound heterozygous states in ClinVar and the literature (Variation ID: 128570). This variant segregated with disease in 2 affected relatives from 1 family (PMID: 9150160). There are many reports of individuals with LGMD and this variant (in either the homozygous or compound heterozygous state) in ClinVar and the literature. Animal models in rats have shown that this variant causes LGMD via a deleterious effect on calpain protein catalytic activity (PMID: 19226146). In summary, the p.Arg748Gln variant is pathogenic based off of our findings, multiple reports in ClinVar, and the literature. ACMG/AMP Criteria applied: PM2, PP3, PS3, PP1, PM3_Strong (Richards 2015).

Eurofins Ntd Llc (ga)
Classification: Pathogenic. Last evaluated: 2017-11-10. Review status: criteria provided, single submitter. Criteria: EGL Classification Definitions 2015. Collection method: clinical testing. Allele origin: germline. Observed: 9 variant alleles, 8 heterozygotes, 1 homozygote. Not counted in ClinVar's aggregate classification.

Fulgent Genetics
Classification: Pathogenic for Autosomal recessive limb-girdle muscular dystrophy type 2A. Last evaluated: 2017-05-18. Review status: criteria provided, single submitter. Criteria: ACMG Guidelines, 2015. Collection method: clinical testing. Allele origin: unknown. Not counted in ClinVar's aggregate classification.

Soonchunhyang University Bucheon Hospital, Soonchunhyang University Medical Center
Classification: Likely pathogenic for Autosomal recessive limb-girdle muscular dystrophy type 2A. Last evaluated: 2016-03-18. Review status: criteria provided, single submitter. Criteria: ACMG Guidelines, 2015. Collection method: reference population. Allele origin: germline. Observed: 1 variant allele. Not counted in ClinVar's aggregate classification.

Genetic Services Laboratory, University of Chicago
Classification: Pathogenic for Muscular dystrophy, limb-girdle, type 2A. Last evaluated: 2013-11-07. Review status: criteria provided, single submitter. Criteria: ACMG Guidelines, 2007. Collection method: clinical testing. Allele origin: germline. Inheritance: Autosomal recessive inheritance. Affected: yes. Not counted in ClinVar's aggregate classification.

Counsyl
Classification: Pathogenic for Autosomal recessive limb-girdle muscular dystrophy type 2A. Last evaluated: 2017-11-21. Review status: no assertion criteria provided. Collection method: clinical testing. Allele origin: unknown. Not counted in ClinVar's aggregate classification.

Literature cited by the submitters: PubMed 30500922 (cited by 3billion); PubMed 9150160 (cited by 8 submitters); PubMed 22443334 (cited by 3billion and Labcorp Genetics (formerly Invitae), Labcorp); PubMed 15733273 (cited by 3 submitters); PubMed 27020652 (cited by 3 submitters); PubMed 17994539 (cited by Natera, Inc. and Counsyl); PubMed 10330340 (cited by 3 submitters); PubMed 12461690 (cited by 3 submitters); PubMed 15221789 (cited by Mayo Clinic Laboratories, Mayo Clinic and Athena Diagnostics); PubMed 15689361 (cited by Mayo Clinic Laboratories, Mayo Clinic and Labcorp Genetics (formerly Invitae), Labcorp); PubMed 18854869 (cited by 4 submitters); PubMed 19015733 (cited by Mayo Clinic Laboratories, Mayo Clinic and Labcorp Genetics (formerly Invitae), Labcorp); PubMed 19226146 (cited by 6 submitters); PubMed 19364062 (cited by Mayo Clinic Laboratories, Mayo Clinic and Athena Diagnostics); PubMed 21204801 (cited by 3 submitters); PubMed 30028523 (cited by 3 submitters); PubMed 30056071 (cited by Mayo Clinic Laboratories, Mayo Clinic and Athena Diagnostics); PubMed 30919934 (cited by Mayo Clinic Laboratories, Mayo Clinic); PubMed 31069529 (cited by Mayo Clinic Laboratories, Mayo Clinic); PubMed 32403337 (cited by Mayo Clinic Laboratories, Mayo Clinic); PubMed 32528171 (cited by Mayo Clinic Laboratories, Mayo Clinic and Athena Diagnostics); PubMed 35169782 (cited by Mayo Clinic Laboratories, Mayo Clinic and Athena Diagnostics); PubMed 35723113 (cited by Mayo Clinic Laboratories, Mayo Clinic); PubMed 37526466 (cited by Mayo Clinic Laboratories, Mayo Clinic and Athena Diagnostics); PubMed 38374194 (cited by Mayo Clinic Laboratories, Mayo Clinic); PubMed 9266733 (cited by Mayo Clinic Laboratories, Mayo Clinic and Athena Diagnostics); PubMed 9762961 (cited by 4 submitters); PubMed 9777948 (cited by 3 submitters); PubMed 18563459 (cited by Labcorp Genetics (formerly Invitae), Labcorp and Athena Diagnostics); PubMed 26404900 (cited by Labcorp Genetics (formerly Invitae), Labcorp); PubMed 22006685 (cited by Variantyx, Inc. and Athena Diagnostics); PubMed 27500519 (cited by Athena Diagnostics); PubMed 30838351 (cited by Athena Diagnostics); PubMed 28300015 (cited by Athena Diagnostics); PubMed 25987458 (cited by Athena Diagnostics); PubMed 27234031 (cited by Athena Diagnostics); PubMed 16141003 (cited by Athena Diagnostics); PubMed 32668095 (cited by Athena Diagnostics); PubMed 35741838 (cited by Athena Diagnostics).